The following is an entry in ClinVar:

NM_024548.4(CEP97):c.1583_1585dup (p.Thr528_Ile529insThr)

Gene: CEP97 (centrosomal protein 97; plus strand). Cytogenetic location: 3q12.3.
Variant type: Duplication.
Coding change: c.1583_1585dup on transcript NM_024548.4 (MANE Select); coding-DNA positions 1583 to 1585, 3 bases duplicated (CCA; older notation c.1583_1585dupCCA).
Protein change: p.Thr528_Ile529insThr.
Genome position (GRCh38, 1-based): chr3:101,758,189-101,758,191, CCA duplicated; duplicating any 3 consecutive bases within chr3:101,758,188-101,758,191 gives the same sequence; the c. name uses the placement nearest the transcript's 3' end. VCF-style (leftmost placement, unchanged base first): chr3-101758187-A-AACC. GRCh37 (hg19) VCF-style: chr3-101477031-A-AACC.
Other names: c.1406_1408dup, p.Thr469_Ile470insThr (NM_001303401.2); c.1481_1483dup, p.Thr494_Ile495insThr (NM_001410784.1); c.1304_1306dup, p.Thr435_Ile436insThr (NM_001410785.1).
Identifiers: ClinVar variation 3650018 (VCV003650018.2).

ClinVar aggregate classification (germline): Uncertain significance (1 of 4 stars; one submission).

Submission:

Labcorp Genetics (formerly Invitae), Labcorp
Classification: Uncertain significance. Last evaluated: 2025-07-14. Review status: criteria provided, single submitter. Criteria: Invitae Variant Classification Sherloc (09022015). Collection method: clinical testing. Allele origin: germline.
Comment: This variant, c.1583_1585dup, results in the insertion of 1 amino acid(s) of the CEP97 protein (p.Thr528dup), but otherwise preserves the integrity of the reading frame. This variant is not present in population databases (gnomAD no frequency). This variant has not been reported in the literature in individuals affected with CEP97-related conditions. ClinVar contains an entry for this variant (Variation ID: 3650018). Experimental studies and prediction algorithms are not available or were not evaluated, and the functional significance of this variant is currently unknown. In summary, the available evidence is currently insufficient to determine the role of this variant in disease. Therefore, it has been classified as a Variant of Uncertain Significance.